The following is an entry in ClinVar:

NM_014679.5(CEP57):c.1071T>G (p.Asn357Lys)

Gene: CEP57 (centrosomal protein 57; plus strand). Cytogenetic location: 11q21.
Variant type: single nucleotide variant.
Coding change: c.1071T>G on transcript NM_014679.5 (MANE Select); coding-DNA position 1071, T replaced by G.
Protein change: p.Asn357Lys; replaces asparagine 357 with lysine.
Molecular consequence: missense variant.
Genome position (GRCh38, 1-based): chr11:95,827,971, T>G. VCF-style: chr11-95827971-T-G. GRCh37 (hg19) VCF-style: chr11-95561135-T-G.
Other names: c.1044T>G, p.Asn348Lys (NM_001243776.2); c.993T>G, p.Asn331Lys (NM_001243777.2); c.990T>G, p.Asn330Lys (NM_001363604.2); short protein forms N330K, N348K, N331K, N357K.
Identifiers: ClinVar variation 4000999 (VCV004000999.1).

ClinVar aggregate classification (germline): Uncertain significance (1 of 4 stars; one submission).

Conditions:
Inborn genetic diseases. Identifiers: MedGen C0950123, MeSH D030342.

gnomAD v4.1: 8 of 1,613,770 alleles (0.0005%); highest among the groups gnomAD compares: Non-Finnish European, 0.00068%; no homozygotes.

Submission:

Ambry Genetics
Classification: Uncertain significance for Inborn genetic diseases. Last evaluated: 2025-04-04. Review status: criteria provided, single submitter. Criteria: Ambry Variant Classification Scheme 2023. Collection method: clinical testing. Allele origin: germline.
Comment: The p.N357K variant (also known as c.1071T>G), located in coding exon 9 of the CEP57 gene, results from a T to G substitution at nucleotide position 1071. The asparagine at codon 357 is replaced by lysine, an amino acid with similar properties. This amino acid position is conserved. In addition, this alteration is predicted to be tolerated by in silico analysis. Based on the available evidence, the clinical significance of this variant remains unclear.